The following is an entry in ClinVar:

ClinVar aggregate classification (germline): Likely benign (0 of 4 stars; one submission).

Conditions:
FAT4-related disorder. Also called: FAT4-related condition.

Allele frequency attached by ClinVar (database versions not stated): gnomAD exomes below 0.00001; ExAC 0.00001.
gnomAD v4.1: 1 of 1,586,966 alleles (0.000063%); highest among the groups gnomAD compares: Admixed American, 0.0017%; no homozygotes.

Submission:

PreventionGenetics, part of Exact Sciences
Classification: Likely benign for FAT4-related condition. Last evaluated: 2024-02-14. Review status: no assertion criteria provided. Collection method: clinical testing. Allele origin: germline.
Comment: This variant is classified as likely benign based on ACMG/AMP sequence variant interpretation guidelines (Richards et al. 2015 PMID: 25741868, with internal and published modifications).

NM_001291303.3(FAT4):c.12430A>C (p.Arg4144=)

Gene: FAT4 (FAT atypical cadherin 4; plus strand). Cytogenetic location: 4q28.1.
Variant type: single nucleotide variant.
Coding change: c.12430A>C on transcript NM_001291303.3 (MANE Select); coding-DNA position 12430, A replaced by C.
Protein change: p.Arg4144=; no amino-acid change (arginine 4144 retained).
Molecular consequence: synonymous variant.
Genome position (GRCh38, 1-based): chr4:125,477,285, A>C. VCF-style: chr4-125477285-A-C. GRCh37 (hg19) VCF-style: chr4-126398440-A-C.
Other names: c.12430A>C, p.Arg4144= (NM_001291285.3); c.12424A>C, p.Arg4142= (NM_024582.6).
Identifiers: ClinVar variation 3046182 (VCV003046182.2), dbSNP rs777578313, ClinGen allele CA3074088.